The following is an entry in ClinVar:

ClinVar aggregate classification (germline): Likely benign. Review status: criteria provided, multiple submitters, no conflicts (2 of 4 stars). 2 submissions from 2 submitters: Likely benign (2). Last evaluated 2026-01-26.

Conditions:
DLL1-related disorder. Also called: DLL1-related condition.

Allele frequency attached by ClinVar (database versions not stated): 1000 Genomes Project 30x 0.00016; 1000 Genomes Project 0.00020; ExAC 0.00026; gnomAD 0.00094 and 0.00102; TOPMed 0.00106; ESP Exome Variant Server 0.00169.
gnomAD v4.1: 310 of 1,614,062 alleles (0.019%); highest among the groups gnomAD compares: African/African-American, 0.34%; no homozygotes.

Submissions (2):

Labcorp Genetics (formerly Invitae), Labcorp
Classification: Likely benign. Last evaluated: 2026-01-26. Review status: criteria provided, single submitter. Criteria: Invitae Variant Classification Sherloc (09022015). Collection method: clinical testing. Allele origin: germline.

PreventionGenetics, part of Exact Sciences
Classification: Likely benign for DLL1-related condition. Last evaluated: 2025-01-02. Review status: criteria provided, single submitter. Criteria: ACMG Guidelines, 2015. Collection method: clinical testing. Allele origin: germline.
Comment: This variant is classified as likely benign based on ACMG/AMP sequence variant interpretation guidelines (Richards et al. 2015 PMID: 25741868, with internal and published modifications).

NM_005618.4(DLL1):c.1068C>T (p.Pro356=)

Gene: DLL1 (delta like canonical Notch ligand 1; minus strand). Cytogenetic location: 6q27.
Variant type: single nucleotide variant.
Coding change: c.1068C>T on transcript NM_005618.4 (MANE Select); coding-DNA position 1068, C replaced by T.
Protein change: p.Pro356=; no amino-acid change (proline 356 retained).
Molecular consequence: synonymous variant.
Genome position (GRCh38, 1-based): chr6:170,285,100, G>A on the plus strand (C>T on the coding strand, the complement: DLL1 is on the minus strand). VCF-style: chr6-170285100-G-A. GRCh37 (hg19) VCF-style: chr6-170594188-G-A.
Identifiers: ClinVar variation 728867 (VCV000728867.10), dbSNP rs142138667, ClinGen allele CA4106933.